The following is an entry in ClinVar:

ClinVar aggregate classification (germline): Pathogenic (1 of 4 stars; one submission).

Submission:

Labcorp Genetics (formerly Invitae), Labcorp
Classification: Pathogenic. Last evaluated: 2021-07-03. Review status: criteria provided, single submitter. Criteria: Invitae Variant Classification Sherloc (09022015). Collection method: clinical testing. Allele origin: germline.
Comment: This sequence change creates a premature translational stop signal (p.Glu1153Lysfs*17) in the LAMA3 gene. It is expected to result in an absent or disrupted protein product. Loss-of-function variants in LAMA3 are known to be pathogenic (PMID: 10366601, 11810295, 12915477, 16473856, 17362460, 22434185, 23869449, 27827380, 28087116). This variant is not present in population databases (ExAC no frequency). This variant has not been reported in the literature in individuals affected with LAMA3-related conditions. For these reasons, this variant has been classified as Pathogenic.

Literature cited by the submitters: PubMed 10366601; PubMed 11810295; PubMed 12915477; PubMed 16473856; PubMed 17362460; PubMed 22434185; PubMed 23869449; PubMed 27827380; PubMed 28087116.

NM_198129.4(LAMA3):c.8284del (p.Glu2762fs)

Gene: LAMA3 (laminin subunit alpha 3; plus strand). Cytogenetic location: 18q11.2.
Variant type: Deletion.
Coding change: c.8284del on transcript NM_198129.4 (MANE Select); coding-DNA position 8284, one base deleted (G; older notation c.8284delG).
Protein change: p.Glu2762fs; shifts the reading frame from glutamic acid 2762.
Molecular consequence: frameshift variant.
Genome position (GRCh38, 1-based): chr18:23,928,229, G deleted; the last of 2 consecutive G bases (chr18:23,928,228-23,928,229); deleting either gives the same sequence. VCF-style (leftmost placement, unchanged base first): chr18-23928227-CG-C. GRCh37 (hg19) VCF-style: chr18-21508191-CG-C.
Other names: c.3457del, p.Glu1153fs (NM_000227.6); c.8116del, p.Glu2706fs (NM_001127717.4); c.3289del, p.Glu1097fs (NM_001127718.4); short protein forms E2762fs, E2706fs, E1097fs, E1153fs.
Identifiers: ClinVar variation 1417958 (VCV001417958.6), dbSNP rs2145371777, ClinGen allele CA2573155147.